The following is an entry in ClinVar:

ClinVar aggregate classification (germline): Benign. Review status: criteria provided, multiple submitters, no conflicts (2 of 4 stars). 2 submissions from 2 submitters: Benign (2). Last evaluated 2018-01-13.

Conditions:
Telangiectasia, hereditary hemorrhagic, type 2 (HHT2). Also called: ACVRL1-Related Hereditary Hemorrhagic Telangiectasia; Telangiectasia, hereditary hemorrhagic, type II. Identifiers: Orphanet 774, MedGen C1838163, MONDO:0010880, OMIM 600376. Disease mechanism: loss of function.

Allele frequency attached by ClinVar (database versions not stated): 1000 Genomes Project 30x 0.01156; 1000 Genomes Project 0.01158; TOPMed 0.02496; gnomAD 0.02746 and 0.02816; gnomAD exomes 0.04054.
gnomAD v4.1: 4,221 of 152,516 alleles (2.8%); highest among the groups gnomAD compares: Non-Finnish European, 4.1%; 76 homozygotes.

Submissions (2):

Illumina Laboratory Services, Illumina
Classification: Benign for Telangiectasia, hereditary hemorrhagic, type 2. Last evaluated: 2018-01-13. Review status: criteria provided, single submitter. Criteria: ICSL Variant Classification Criteria 13 December 2019. Collection method: clinical testing. Allele origin: germline.
Comment: This variant was observed in the ICSL laboratory as part of a predisposition screen in an ostensibly healthy population. It had not been previously curated by ICSL or reported in the Human Gene Mutation Database (HGMD: prior to June 1st, 2018), and was therefore a candidate for classification through an automated scoring system. Utilizing variant allele frequency, disease prevalence and penetrance estimates, and inheritance mode, an automated score was calculated to assess if this variant is too frequent to cause the disease. Based on the score and internal cut-off values, a variant classified as benign is not then subjected to further curation. The score for this variant resulted in a classification of benign for this disease.

Breakthrough Genomics
Classification: Benign. Review status: criteria provided, single submitter. Criteria: ACMG Guidelines, 2015. Collection method: not provided. Allele origin: germline. Inheritance: Autosomal dominant inheritance. Affected: yes.

NM_000020.3(ACVRL1):c.*2313G>A

Gene: ACVRL1 (activin A receptor like type 1; plus strand). Cytogenetic location: 12q13.13.
Variant type: single nucleotide variant.
Coding change: c.*2313G>A on transcript NM_000020.3 (MANE Select); 2313 bases downstream of the stop codon, G replaced by A.
Molecular consequence: 3 prime UTR variant.
Genome position (GRCh38, 1-based): chr12:51,923,206, G>A. VCF-style: chr12-51923206-G-A. GRCh37 (hg19) VCF-style: chr12-52316990-G-A.
Other names: c.*2313G>A (NM_001077401.2).
Identifiers: ClinVar variation 309481 (VCV000309481.6), dbSNP rs61914025, ClinGen allele CA10641837.